The following is an entry in ClinVar:

ClinVar aggregate classification (germline): Uncertain significance (1 of 4 stars; one submission).

gnomAD v4.1: 5 of 1,514,188 alleles (0.00033%); highest among the groups gnomAD compares: African/African-American, 0.0014%; no homozygotes.

Submission:

Labcorp Genetics (formerly Invitae), Labcorp
Classification: Uncertain significance. Last evaluated: 2025-12-06. Review status: criteria provided, single submitter. Criteria: Invitae Variant Classification Sherloc (09022015). Collection method: clinical testing. Allele origin: germline.
Comment: This sequence change replaces proline, which is neutral and non-polar, with arginine, which is basic and polar, at codon 360 of the TCF3 protein (p.Pro360Arg). This variant is present in population databases (no rsID available, gnomAD 0.002%). This variant has not been reported in the literature in individuals affected with TCF3-related conditions. Invitae Evidence Modeling of protein sequence and biophysical properties (such as structural, functional, and spatial information, amino acid conservation, physicochemical variation, residue mobility, and thermodynamic stability) indicates that this missense variant is expected to disrupt TCF3 protein function with a positive predictive value of 80%. In summary, the available evidence is currently insufficient to determine the role of this variant in disease. Therefore, it has been classified as a Variant of Uncertain Significance.

NM_003200.5(TCF3):c.1079C>G (p.Pro360Arg)

Gene: TCF3 (transcription factor 3; minus strand). Cytogenetic location: 19p13.3.
Variant type: single nucleotide variant.
Coding change: c.1079C>G on transcript NM_003200.5 (MANE Select); coding-DNA position 1079, C replaced by G.
Protein change: p.Pro360Arg; replaces proline 360 with arginine.
Molecular consequence: missense variant.
Genome position (GRCh38, 1-based): chr19:1,620,982, G>C on the plus strand (C>G on the coding strand, the complement: TCF3 is on the minus strand). VCF-style: chr19-1620982-G-C. GRCh37 (hg19) VCF-style: chr19-1620981-G-C.
Other names: c.1079C>G, p.Pro360Arg (NM_001136139.4, NM_001351778.2, NM_001351779.2); short protein forms P360R.
Identifiers: ClinVar variation 4768670 (VCV004768670.1).